The following is an entry in ClinVar:

ClinVar aggregate classification (germline): Benign. Review status: criteria provided, multiple submitters, no conflicts (2 of 4 stars). 2 submissions from 2 submitters: Benign (2). Last evaluated 2018-01-13.

Conditions:
Autosomal dominant pseudohypoaldosteronism type 1. Also called: Pseudohypoaldosteronism, Type I, Autosomal Dominant; PHA I, AUTOSOMAL DOMINANT; Pseudohypoaldosteronism, Type I, Dominant. Identifiers: Orphanet 171871, Orphanet 756, MedGen C1449842, MONDO:0008329, OMIM 177735.

Allele frequency attached by ClinVar (database versions not stated): 1000 Genomes Project 0.00419; 1000 Genomes Project 30x 0.00422; TOPMed 0.01241; gnomAD 0.01299 and 0.01313; gnomAD exomes 0.02072.
gnomAD v4.1: 30,259 of 1,524,258 alleles (2%); highest among the groups gnomAD compares: Non-Finnish European, 2.5%; 387 homozygotes.

Submissions (2):

Illumina Laboratory Services, Illumina
Classification: Benign for Autosomal dominant pseudohypoaldosteronism type 1. Last evaluated: 2018-01-13. Review status: criteria provided, single submitter. Criteria: ICSL Variant Classification Criteria 13 December 2019. Collection method: clinical testing. Allele origin: germline.
Comment: This variant was observed in the ICSL laboratory as part of a predisposition screen in an ostensibly healthy population. It had not been previously curated by ICSL or reported in the Human Gene Mutation Database (HGMD: prior to June 1st, 2018), and was therefore a candidate for classification through an automated scoring system. Utilizing variant allele frequency, disease prevalence and penetrance estimates, and inheritance mode, an automated score was calculated to assess if this variant is too frequent to cause the disease. Based on the score and internal cut-off values, a variant classified as benign is not then subjected to further curation. The score for this variant resulted in a classification of benign for this disease.

Breakthrough Genomics
Classification: Benign. Review status: criteria provided, single submitter. Criteria: ACMG Guidelines, 2015. Collection method: not provided. Allele origin: germline. Inheritance: Autosomal dominant inheritance. Affected: yes.

NM_000901.5(NR3C2):c.*86T>C

Gene: NR3C2 (nuclear receptor subfamily 3 group C member 2; minus strand). Cytogenetic location: 4q31.23.
Variant type: single nucleotide variant.
Coding change: c.*86T>C on transcript NM_000901.5 (MANE Select); 86 bases downstream of the stop codon, T replaced by C.
Molecular consequence: 3 prime UTR variant. On other transcripts: non-coding transcript variant (1).
Genome position (GRCh38, 1-based): chr4:148,081,258, A>G on the plus strand (T>C on the coding strand, the complement: NR3C2 is on the minus strand). VCF-style: chr4-148081258-A-G. GRCh37 (hg19) VCF-style: chr4-149002409-A-G.
Other names: c.*86T>C (NM_001166104.2, NM_001354819.1).
Identifiers: ClinVar variation 347716 (VCV000347716.6), dbSNP rs5530, ClinGen allele CA10618053.